The following is an entry in ClinVar:

ClinVar aggregate classification (germline): Pathogenic (1 of 4 stars; one submission).

Conditions:
CHD7-related CHARGE syndrome. Identifiers: MedGen CN380413, MONDO:1010178, OMIM 214800.

Submission:

MVZ Praenatalmedizin und Genetik Nuernberg
Classification: Pathogenic for CHD7-related CHARGE syndrome. Last evaluated: 2025-02-21. Review status: criteria provided, single submitter. Criteria: ACMG Guidelines, 2015. Collection method: clinical testing. Allele origin: de novo. Affected: yes.
Comment: AVSD, susp. right-sided aortic arch. This variant leads to a frameshift in exon 28 and a premature stop codon and is therefore considered pathogenic due to loss of function.

NM_017780.4(CHD7):c.5653dup (p.Ile1885fs)

Gene: CHD7 (chromodomain helicase DNA binding protein 7; plus strand). Cytogenetic location: 8q12.2.
Variant type: Duplication.
Coding change: c.5653dup on transcript NM_017780.4 (MANE Select); coding-DNA position 5653, one base duplicated (A; older notation c.5653dupA).
Protein change: p.Ile1885fs; shifts the reading frame from isoleucine 1885.
Molecular consequence: frameshift variant. On other transcripts: intron variant (1).
Genome position (GRCh38, 1-based): chr8:60,851,307, A duplicated; the last of 3 consecutive A bases (chr8:60,851,305-60,851,307); duplicating any one gives the same sequence. VCF-style (leftmost placement, unchanged base first): chr8-60851304-G-GA. GRCh37 (hg19) VCF-style: chr8-61763863-G-GA.
Other names: c.1717-10922dup (NM_001316690.1); short protein forms I1885fs.
Identifiers: ClinVar variation 4813445 (VCV004813445.1).
Genomic context (GRCh38, chr8:60,851,304, plus strand): 5'-TCTTGCTTTGCTTTCAAGGAATTTGCAAATTCTCCTTCAGAGGATAAGGAAGAATCCATG[G>GA]AAATACATGCCACAGGTAAGGTCCCAGAAAAGCTTGTGTAGCCGAGCAGACGTGCACTGA-3'